The following is an entry in ClinVar:

ClinVar aggregate classification (germline): Pathogenic (1 of 4 stars; one submission).

Conditions:
Syndromic X-linked intellectual disability 94 (MRXSW). Also called: X-linked intellectual disability due to GRIA3 anomalies; MENTAL RETARDATION, X-LINKED, SYNDROMIC 29. Identifiers: Orphanet 364028, MedGen C2678051, MONDO:0010402, OMIM 300699.

Submission:

Groupe Hospitalier Pitie Salpetriere, Uf Genomique Du Developpement, Assistance Publique Hopitaux de Paris Sorbonne Université
Classification: Pathogenic for Mental retardation, X-linked, syndromic, Wu type. Last evaluated: 2017-01-06. Review status: criteria provided, single submitter. Criteria: ACMG Guidelines, 2015. Collection method: clinical testing. Allele origin: maternal. Affected: yes. Observed: 1 variant allele.
Comment: Intellectual disability, severe; hypotonia

Literature cited by the submitters: PubMed 28708303.

NM_007325.5(GRIA3):c.1964T>C (p.Phe655Ser)

Gene: GRIA3 (glutamate ionotropic receptor AMPA type subunit 3; plus strand). Cytogenetic location: Xq25.
Variant type: single nucleotide variant.
Coding change: c.1964T>C on transcript NM_007325.5 (MANE Select); coding-DNA position 1964, T replaced by C.
Protein change: p.Phe655Ser; replaces phenylalanine 655 with serine.
Molecular consequence: missense variant.
Genome position (GRCh38, 1-based): chrX:123,428,027, T>C. VCF-style: chrX-123428027-T-C. GRCh37 (hg19) VCF-style: chrX-122561878-T-C.
Other names: c.1964T>C, p.Phe655Ser (NM_000828.5); short protein forms F655S.
Identifiers: ClinVar variation 431114 (VCV000431114.3), dbSNP rs1135401788, ClinGen allele CA414259845.
Genomic context (GRCh38, chrX:123,428,027, plus strand): 5'-GGGTTTGGTGGTTCTTCACCCTGATCATAATTTCTTCCTATACTGCCAATCTCGCTGCTT[T>C]CCTGACTGTGGAGAGGATGGTTTCTCCCATAGAGAGTGCTGAAGACTTAGCTAAACAGAC-3'
Protein context (NP_015564.5, residues 645-665): ISSYTANLAA[Phe655Ser]LTVERMVSPI